The following is an entry in ClinVar:

NM_001365999.1(SZT2):c.3532C>G (p.Leu1178Val)

Gene: SZT2 (SZT2 subunit of KICSTOR complex; plus strand). Cytogenetic location: 1p34.2.
Variant type: single nucleotide variant.
Coding change: c.3532C>G on transcript NM_001365999.1 (MANE Select); coding-DNA position 3532, C replaced by G.
Protein change: p.Leu1178Val; replaces leucine 1178 with valine.
Molecular consequence: missense variant.
Genome position (GRCh38, 1-based): chr1:43,427,379, C>G. VCF-style: chr1-43427379-C-G. GRCh37 (hg19) VCF-style: chr1-43893050-C-G.
Other names: c.3361C>G, p.Leu1121Val (NM_015284.4); short protein forms L1178V, L1121V.
Identifiers: ClinVar variation 944649 (VCV000944649.9), dbSNP rs373245632, ClinGen allele CA809014.

ClinVar aggregate classification (germline): Uncertain significance (1 of 4 stars; one submission).

Allele frequency attached by ClinVar (database versions not stated): gnomAD exomes below 0.00001; ExAC 0.00001; gnomAD 0.00001; ESP Exome Variant Server 0.00008.
gnomAD v4.1: 2 of 1,613,964 alleles (0.00012%); highest among the groups gnomAD compares: African/African-American, 0.0013%; no homozygotes.

Submission:

Labcorp Genetics (formerly Invitae), Labcorp
Classification: Uncertain significance. Last evaluated: 2021-07-01. Review status: criteria provided, single submitter. Criteria: Invitae Variant Classification Sherloc (09022015). Collection method: clinical testing. Allele origin: germline.
Comment: This sequence change replaces leucine with valine at codon 1121 of the SZT2 protein (p.Leu1121Val). The leucine residue is moderately conserved and there is a small physicochemical difference between leucine and valine. This variant is present in population databases (rs373245632, ExAC 0.01%). This variant has not been reported in the literature in individuals with SZT2-related conditions. Algorithms developed to predict the effect of missense changes on protein structure and function (SIFT, PolyPhen-2, Align-GVGD) all suggest that this variant is likely to be tolerated, but these predictions have not been confirmed by published functional studies and their clinical significance is uncertain. Algorithms developed to predict the effect of sequence changes on RNA splicing suggest that this variant may create or strengthen a splice site, but this prediction has not been confirmed by published transcriptional studies. In summary, the available evidence is currently insufficient to determine the role of this variant in disease. Therefore, it has been classified as a Variant of Uncertain Significance.